The following is an entry in ClinVar:

ClinVar aggregate classification (germline): Uncertain significance (1 of 4 stars; one submission).

Conditions:
Autosomal dominant nonsyndromic hearing loss 20. Identifiers: Orphanet 90635, MedGen C1858172, MONDO:0011480, OMIM 604717.
Baraitser-winter syndrome 2. Identifiers: Orphanet 2995, MedGen C3281235, MONDO:0013812, OMIM 614583.

Submission:

Labcorp Genetics (formerly Invitae), Labcorp
Classification: Uncertain significance for Baraitser-winter syndrome 2; Autosomal dominant nonsyndromic hearing loss 20. Last evaluated: 2023-06-24. Review status: criteria provided, single submitter. Criteria: Invitae Variant Classification Sherloc (09022015). Collection method: clinical testing. Allele origin: germline.
Comment: This variant is not present in population databases (gnomAD no frequency). This sequence change replaces leucine, which is neutral and non-polar, with glutamine, which is neutral and polar, at codon 104 of the ACTG1 protein (p.Leu104Gln). In summary, the available evidence is currently insufficient to determine the role of this variant in disease. Therefore, it has been classified as a Variant of Uncertain Significance. Advanced modeling of protein sequence and biophysical properties (such as structural, functional, and spatial information, amino acid conservation, physicochemical variation, residue mobility, and thermodynamic stability) performed at Invitae indicates that this missense variant is expected to disrupt ACTG1 protein function. This variant has not been reported in the literature in individuals affected with ACTG1-related conditions.

NM_001614.5(ACTG1):c.311T>A (p.Leu104Gln)

Gene: ACTG1 (actin gamma 1; minus strand). Cytogenetic location: 17q25.3.
Variant type: single nucleotide variant.
Coding change: c.311T>A on transcript NM_001614.5 (MANE Select); coding-DNA position 311, T replaced by A.
Protein change: p.Leu104Gln; replaces leucine 104 with glutamine.
Molecular consequence: missense variant. On other transcripts: non-coding transcript variant (1).
Genome position (GRCh38, 1-based): chr17:81,511,955, A>T on the plus strand (T>A on the coding strand, the complement: ACTG1 is on the minus strand). VCF-style: chr17-81511955-A-T. GRCh37 (hg19) VCF-style: chr17-79478981-A-T.
Other names: c.311T>A, p.Leu104Gln (NM_001199954.3); short protein forms L104Q.
Identifiers: ClinVar variation 2949265 (VCV002949265.3), dbSNP rs548138575, ClinGen allele CA401462939.